The following is an entry in ClinVar:

ClinVar aggregate classification (germline): Likely benign (1 of 4 stars; one submission).

Submission:

GeneDx
Classification: Likely benign. Last evaluated: 2017-04-21. Review status: criteria provided, single submitter. Criteria: GeneDx Variant Classification (06012015). Collection method: clinical testing. Allele origin: germline. Affected: yes.
Comment: This variant is considered likely benign or benign based on one or more of the following criteria: it is a conservative change, it occurs at a poorly conserved position in the protein, it is predicted to be benign by multiple in silico algorithms, and/or has population frequency not consistent with disease.

NM_053013.4(ENO3):c.-3+3C>G

Gene: ENO3 (enolase 3; plus strand). Cytogenetic location: 17p13.2.
Variant type: single nucleotide variant.
Coding change: c.-3+3C>G on transcript NM_053013.4 (MANE Select); 3 bases into the intron after 3 bases upstream of the start codon, C replaced by G.
Molecular consequence: intron variant. On other transcripts: 5 prime UTR variant (1).
Genome position (GRCh38, 1-based): chr17:4,951,185, C>G. VCF-style: chr17-4951185-C-G. GRCh37 (hg19) VCF-style: chr17-4854480-C-G.
Other names: c.-42C>G (NM_001976.5); c.-3+3C>G (NM_001193503.2).
Identifiers: ClinVar variation 517045 (VCV000517045.1), dbSNP rs366577, ClinGen allele CA658798682.
Genomic context (GRCh38, chr17:4,951,185, plus strand): 5'-GTCCCAGCTGCCACCTAGACTCGGAGCTCCATCCAAACCTCCAGCGAAGACATCCCAGGT[C>G]GGGTGAATCTTCCAGCCCTGGGGGTGGAGGTAGTAAAGGGTGAGCATGGTATTGGCTTGG-3'